The following is an entry in ClinVar:

NM_004655.4(AXIN2):c.986G>T (p.Ser329Ile)

Gene: AXIN2 (axin 2; minus strand). Cytogenetic location: 17q24.1.
Variant type: single nucleotide variant.
Coding change: c.986G>T on transcript NM_004655.4 (MANE Select); coding-DNA position 986, G replaced by T.
Protein change: p.Ser329Ile; replaces serine 329 with isoleucine.
Molecular consequence: missense variant.
Genome position (GRCh38, 1-based): chr17:65,541,528, C>A on the plus strand (G>T on the coding strand, the complement: AXIN2 is on the minus strand). VCF-style: chr17-65541528-C-A. GRCh37 (hg19) VCF-style: chr17-63537646-C-A.
Other names: c.986G>T, p.Ser329Ile (NM_001363813.1); short protein forms S329I.
Identifiers: ClinVar variation 1063732 (VCV001063732.9), dbSNP rs774353403, ClinGen allele CA400679346.
Genomic context (GRCh38, chr17:65,541,528, plus strand): 5'-AGAGACACTTGGCCATTGGCCTTCACACTGCGATGCATTTCTCTCTGGAGCTGTTTCTTA[C>A]TGCCCACACGATAAGGAGGAATTCCATCTCTAAGGGAAAGGAAAAGACAGAATCCACAGG-3'
Protein context (NP_004646.3, residues 319-339): VDGIPPYRVG[Ser329Ile]KKQLQREMHR

ClinVar aggregate classification (germline): Uncertain significance (1 of 4 stars; one submission).

Conditions:
Oligodontia-cancer predisposition syndrome. Also called: TOOTH AGENESIS-COLORECTAL CANCER SYNDROME. Identifiers: Orphanet 300576, MedGen C1837750, MONDO:0012075, OMIM 608615. Disease mechanism: loss of function.

Submission:

Labcorp Genetics (formerly Invitae), Labcorp
Classification: Uncertain significance for Oligodontia-cancer predisposition syndrome. Last evaluated: 2020-04-21. Review status: criteria provided, single submitter. Criteria: Invitae Variant Classification Sherloc (09022015). Collection method: clinical testing. Allele origin: germline.
Comment: In summary, the available evidence is currently insufficient to determine the role of this variant in disease. Therefore, it has been classified as a Variant of Uncertain Significance. Algorithms developed to predict the effect of missense changes on protein structure and function are either unavailable or do not agree on the potential impact of this missense change (SIFT: "Deleterious"; PolyPhen-2: "Probably Damaging"; Align-GVGD: "Class C15"). This variant has not been reported in the literature in individuals with AXIN2-related conditions. This variant is not present in population databases (ExAC no frequency). This sequence change replaces serine with isoleucine at codon 329 of the AXIN2 protein (p.Ser329Ile). The serine residue is highly conserved and there is a large physicochemical difference between serine and isoleucine.